The following is an entry in ClinVar:

ClinVar aggregate classification (germline): Uncertain significance (0 of 4 stars; one submission).

Conditions:
Immunodeficiency 53. Identifiers: Orphanet 688594, MedGen C4539811, MONDO:0054696, OMIM 617585.

Submission:

Biochemistry Laboratory of CDMU, Chengde Medical University
Classification: Uncertain significance for Immunodeficiency 53. Last evaluated: 2020-06-28. Review status: no assertion criteria provided. Collection method: case-control. Allele origin: inherited. Inheritance: Autosomal recessive inheritance. Affected: yes.
Comment: The lymphocyte count, CD3+ T lymphocyte count, CD3+CD4+ T lymphocyte count, CD3+CD8+ T lymphocyte count, and NK cell count decreased, while the number of CD19-positive B cells increased. However, the ratio of CD3+CD4+:CD3+CD8+ T cells increased.

Literature cited by the submitters: PubMed 26385063.

NM_006509.4(RELB):c.401AGC[3] (p.Gln135dup)

Gene: RELB (RELB proto-oncogene, NF-kB subunit; plus strand). Cytogenetic location: 19q13.32.
Variant type: Microsatellite.
Coding change: c.401AGC[3] on transcript NM_006509.4 (MANE Select); three copies in a row of the 3-base unit AGC starting at c.401; the reference has two copies in a row; one copy, 3 bases duplicated.
Protein change: p.Gln135dup; duplicates glutamine 135.
Molecular consequence: inframe insertion.
Genome position (GRCh38, 1-based): chr19:45,012,176-45,012,178, AGC duplicated; duplicating any 3 consecutive bases within chr19:45,012,173-45,012,178 gives the same sequence; the position shown is the placement nearest the transcript's 3' end. VCF-style (leftmost placement, unchanged base first): chr19-45012172-A-AAGC. GRCh37 (hg19) VCF-style: chr19-45515430-A-AAGC.
Identifiers: ClinVar variation 996038 (VCV000996038.2), dbSNP rs1971369702, ClinGen allele CA2338220059.